The following is an entry in ClinVar:

NM_017950.4(CCDC40):c.1252A>T (p.Met418Leu)

Gene: CCDC40 (coiled-coil domain 40 molecular ruler complex subunit; plus strand). Cytogenetic location: 17q25.3.
Variant type: single nucleotide variant.
Coding change: c.1252A>T on transcript NM_017950.4 (MANE Select); coding-DNA position 1252, A replaced by T.
Protein change: p.Met418Leu; replaces methionine 418 with leucine.
Molecular consequence: missense variant.
Genome position (GRCh38, 1-based): chr17:80,058,586, A>T. VCF-style: chr17-80058586-A-T. GRCh37 (hg19) VCF-style: chr17-78032385-A-T.
Other names: c.1252A>T, p.Met418Leu (NM_001243342.2, NM_001330508.2); short protein forms M418L.
Identifiers: ClinVar variation 5033799 (VCV005033799.1).

ClinVar aggregate classification (germline): Uncertain significance (1 of 4 stars; one submission).

Conditions:
Primary ciliary dyskinesia. Also called: Ciliary dyskinesia. Identifiers: Orphanet 244, MedGen C0008780, MONDO:0016575, HP:0012265.

Submission:

Ambry Genetics
Classification: Uncertain significance for Primary ciliary dyskinesia. Last evaluated: 2026-07-13. Review status: criteria provided, single submitter. Criteria: Ambry Variant Classification Scheme 2023. Collection method: clinical testing. Allele origin: germline.
Comment: The p.M418L variant (also known as c.1252A>T), located in coding exon 8 of the CCDC40 gene, results from an A to T substitution at nucleotide position 1252. The methionine at codon 418 is replaced by leucine, an amino acid with highly similar properties. This amino acid position is conserved. In addition, this alteration is predicted to be tolerated by in silico analysis. Based on the available evidence, the clinical significance of this variant remains unclear.